The following is an entry in ClinVar:

ClinVar aggregate classification (germline): Uncertain significance. Review status: criteria provided, multiple submitters, no conflicts (2 of 4 stars). 2 submissions from 2 submitters: Uncertain significance (2). Last evaluated 2024-10-25.

Allele frequency attached by ClinVar (database versions not stated): TOPMed 0.00002.

Submissions (2):

GeneDx
Classification: Uncertain significance. Last evaluated: 2024-10-25. Review status: criteria provided, single submitter. Criteria: GeneDx Variant Classification Process June 2021. Collection method: clinical testing. Allele origin: germline. Affected: yes.
Comment: Not observed at significant frequency in large population cohorts (gnomAD); In silico analysis indicates that this missense variant does not alter protein structure/function; Has not been previously published as pathogenic or benign to our knowledge

Labcorp Genetics (formerly Invitae), Labcorp
Classification: Uncertain significance. Last evaluated: 2023-10-30. Review status: criteria provided, single submitter. Criteria: Invitae Variant Classification Sherloc (09022015). Collection method: clinical testing. Allele origin: germline.
Comment: This sequence change replaces alanine, which is neutral and non-polar, with valine, which is neutral and non-polar, at codon 65 of the KCNQ5 protein (p.Ala65Val). This variant is not present in population databases (gnomAD no frequency). This variant has not been reported in the literature in individuals affected with KCNQ5-related conditions. ClinVar contains an entry for this variant (Variation ID: 1356469). Advanced modeling of protein sequence and biophysical properties (such as structural, functional, and spatial information, amino acid conservation, physicochemical variation, residue mobility, and thermodynamic stability) performed at Invitae indicates that this missense variant is not expected to disrupt KCNQ5 protein function with a negative predictive value of 95%. In summary, the available evidence is currently insufficient to determine the role of this variant in disease. Therefore, it has been classified as a Variant of Uncertain Significance.

NM_019842.4(KCNQ5):c.194C>T (p.Ala65Val)

Genes: KCNQ5 (potassium voltage-gated channel subfamily Q member 5; plus strand), KCNQ5-DT (KCNQ5 divergent transcript; minus strand). Cytogenetic location: 6q13.
Variant type: single nucleotide variant.
Coding change: c.194C>T on transcript NM_019842.4 (MANE Select); coding-DNA position 194, C replaced by T.
Protein change: p.Ala65Val; replaces alanine 65 with valine.
Molecular consequence: missense variant.
Genome position (GRCh38, 1-based): chr6:72,622,383, C>T. VCF-style: chr6-72622383-C-T. GRCh37 (hg19) VCF-style: chr6-73332111-C-T.
Other names: c.194C>T, p.Ala65Val (NM_001160133.2, NM_001160134.2, NM_001160130.2 and 1 more transcripts); c.194C>T (NM_001160133.1); short protein forms A65V.
Identifiers: ClinVar variation 1356469 (VCV001356469.9), dbSNP rs1054960132, ClinGen allele CA141452123.